The following is an entry in ClinVar:

ClinVar aggregate classification (germline): Uncertain significance. Review status: criteria provided, multiple submitters, no conflicts (2 of 4 stars). 2 submissions from 2 submitters: Uncertain significance (2). Last evaluated 2024-04-08.

Conditions:
Polycystic kidney disease 4 (PKD4). Also called: PKD3; Autosomal Recessive Polycystic Kidney Disease – PKHD1; POLYCYSTIC KIDNEY AND HEPATIC DISEASE 1; POLYCYSTIC KIDNEY DISEASE, INFANTILE, TYPE I; POLYCYSTIC KIDNEY DISEASE 4 WITH OR WITHOUT POLYCYSTIC LIVER DISEASE. Identifiers: MedGen C4540575, MONDO:0033004, OMIM 263200.

Allele frequency attached by ClinVar (database versions not stated): gnomAD exomes below 0.00001.
gnomAD v4.1: 4 of 1,613,982 alleles (0.00025%); highest among the groups gnomAD compares: Non-Finnish European, 0.00034%; no homozygotes.

Submissions (2):

Fulgent Genetics
Classification: Uncertain significance for Polycystic kidney disease 4. Last evaluated: 2024-04-08. Review status: criteria provided, single submitter. Criteria: ACMG Guidelines, 2015. Collection method: clinical testing. Allele origin: germline.

GeneDx
Classification: Uncertain significance. Last evaluated: 2022-06-10. Review status: criteria provided, single submitter. Criteria: GeneDx Variant Classification Process June 2021. Collection method: clinical testing. Allele origin: germline. Affected: yes.
Comment: Not observed at significant frequency in large population cohorts (gnomAD); In silico analysis supports that this missense variant does not alter protein structure/function; Has not been previously published as pathogenic or benign to our knowledge

NM_138694.4(PKHD1):c.3217G>A (p.Val1073Ile)

Gene: PKHD1 (PKHD1 ciliary IPT domain containing fibrocystin/polyductin; minus strand). Cytogenetic location: 6p12.2.
Variant type: single nucleotide variant.
Coding change: c.3217G>A on transcript NM_138694.4 (MANE Select); coding-DNA position 3217, G replaced by A.
Protein change: p.Val1073Ile; replaces valine 1073 with isoleucine.
Molecular consequence: missense variant.
Genome position (GRCh38, 1-based): chr6:52,035,602, C>T on the plus strand (G>A on the coding strand, the complement: PKHD1 is on the minus strand). VCF-style: chr6-52035602-C-T. GRCh37 (hg19) VCF-style: chr6-51900400-C-T.
Other names: c.3217G>A, p.Val1073Ile (NM_170724.3); short protein forms V1073I.
Identifiers: ClinVar variation 1804218 (VCV001804218.2), dbSNP rs2532922982, ClinGen allele CA364441638.